The following is an entry in ClinVar:

NM_001004334.4(GPR179):c.382G>A (p.Glu128Lys)

Gene: GPR179 (G protein-coupled receptor 179; minus strand). Cytogenetic location: 17q12.
Variant type: single nucleotide variant.
Coding change: c.382G>A on transcript NM_001004334.4 (MANE Select); coding-DNA position 382, G replaced by A.
Protein change: p.Glu128Lys; replaces glutamic acid 128 with lysine.
Molecular consequence: missense variant.
Genome position (GRCh38, 1-based): chr17:38,343,408, C>T on the plus strand (G>A on the coding strand, the complement: GPR179 is on the minus strand). VCF-style: chr17-38343408-C-T. GRCh37 (hg19) VCF-style: chr17-36499291-C-T.
Other names: short protein forms E128K.
Identifiers: ClinVar variation 1921438 (VCV001921438.5), dbSNP rs913498242, ClinGen allele CA290111691.

ClinVar aggregate classification (germline): Uncertain significance (1 of 4 stars; one submission).

Allele frequency attached by ClinVar (database versions not stated): TOPMed below 0.00001; gnomAD 0.00001; gnomAD exomes 0.00001.

Submission:

Labcorp Genetics (formerly Invitae), Labcorp
Classification: Uncertain significance. Last evaluated: 2022-03-20. Review status: criteria provided, single submitter. Criteria: Invitae Variant Classification Sherloc (09022015). Collection method: clinical testing. Allele origin: germline.
Comment: Algorithms developed to predict the effect of missense changes on protein structure and function (SIFT, PolyPhen-2, Align-GVGD) all suggest that this variant is likely to be disruptive. This variant is not present in population databases (gnomAD no frequency). This variant has not been reported in the literature in individuals affected with GPR179-related conditions. In summary, the available evidence is currently insufficient to determine the role of this variant in disease. Therefore, it has been classified as a Variant of Uncertain Significance. This sequence change replaces glutamic acid, which is acidic and polar, with lysine, which is basic and polar, at codon 128 of the GPR179 protein (p.Glu128Lys).